The following is an entry in ClinVar:

NM_024496.4(IRF2BPL):c.1071G>A (p.Leu357=)

Gene: IRF2BPL (interferon regulatory factor 2 binding protein like; minus strand). Cytogenetic location: 14q24.3.
Variant type: single nucleotide variant.
Coding change: c.1071G>A on transcript NM_024496.4 (MANE Select); coding-DNA position 1071, G replaced by A.
Protein change: p.Leu357=; no amino-acid change (leucine 357 retained).
Molecular consequence: synonymous variant.
Genome position (GRCh38, 1-based): chr14:77,026,722, C>T on the plus strand (G>A on the coding strand, the complement: IRF2BPL is on the minus strand). VCF-style: chr14-77026722-C-T. GRCh37 (hg19) VCF-style: chr14-77493065-C-T.
Identifiers: ClinVar variation 4979721 (VCV004979721.1).

ClinVar aggregate classification (germline): Likely benign (1 of 4 stars; one submission).

Conditions:
IRF2BPL-related disorder. Also called: IRF2BPL-related condition. Identifiers: MedGen CN381093.

Submission:

PreventionGenetics, part of Exact Sciences
Classification: Likely benign for IRF2BPL-related condition. Last evaluated: 2024-10-24. Review status: criteria provided, single submitter. Criteria: ACMG Guidelines, 2015. Collection method: clinical testing. Allele origin: germline.
Comment: This variant is classified as likely benign based on ACMG/AMP sequence variant interpretation guidelines (Richards et al. 2015 PMID: 25741868, with internal and published modifications).